The following is an entry in ClinVar:

ClinVar aggregate classification (germline): Uncertain significance (1 of 4 stars; one submission).

Conditions:
AFF2-related disorder. Also called: AFF2-related condition.

Submission:

PreventionGenetics, part of Exact Sciences
Classification: Uncertain significance for AFF2-related condition. Last evaluated: 2025-10-22. Review status: criteria provided, single submitter. Criteria: ACMG Guidelines, 2015. Collection method: clinical testing. Allele origin: germline.
Comment: The AFF2 c.40_42delTTC variant is predicted to result in an in-frame deletion (p.Phe14del). To our knowledge, this variant has not been reported in the literature or in gnomAD, indicating this variant is rare. At this time, the clinical significance of this variant is uncertain due to the absence of conclusive functional and genetic evidence.

NM_002025.4(AFF2):c.1041+56452_1041+56454del

Gene: AFF2 (ALF transcription elongation factor 2; plus strand). Cytogenetic location: Xq28.
Variant type: Microsatellite.
Coding change: c.1041+56452_1041+56454del on transcript NM_002025.4 (MANE Select); bases 56452 to 56454 of the intron after coding-DNA position 1041, 3 bases deleted (TTC; older notation c.1041+56452_1041+56454delTTC).
Molecular consequence: intron variant. On other transcripts: inframe deletion (2).
Genome position (GRCh38, 1-based): chrX:148,719,220-148,719,222, TTC deleted; deleting any 3 consecutive bases within chrX:148,719,216-148,719,222 gives the same sequence; the c. name uses the placement nearest the transcript's 3' end. VCF-style (leftmost placement, unchanged base first): chrX-148719215-CCTT-C. GRCh37 (hg19) VCF-style: chrX-147800739-CCTT-C.
Other names: c.1029+56452_1029+56454del (NM_001169125.2, NM_001169123.2, NM_001169122.2); c.37TTC[1], p.Phe14del (NM_001170628.1); c.1041+56452_1041+56454del (NM_001169124.2); c.40_42delTTC (NM_001170628.1); short protein forms F14del.
Identifiers: ClinVar variation 2632526 (VCV002632526.2), dbSNP rs2520768673, ClinGen allele CA2694892629.